The following is an entry in ClinVar:

NM_138694.4(PKHD1):c.2176G>C (p.Gly726Arg)

Gene: PKHD1 (PKHD1 ciliary IPT domain containing fibrocystin/polyductin; minus strand). Cytogenetic location: 6p12.2.
Variant type: single nucleotide variant.
Coding change: c.2176G>C on transcript NM_138694.4 (MANE Select); coding-DNA position 2176, G replaced by C.
Protein change: p.Gly726Arg; replaces glycine 726 with arginine.
Molecular consequence: missense variant.
Genome position (GRCh38, 1-based): chr6:52,050,260, C>G on the plus strand (G>C on the coding strand, the complement: PKHD1 is on the minus strand). VCF-style: chr6-52050260-C-G. GRCh37 (hg19) VCF-style: chr6-51915058-C-G.
Other names: c.2176G>C, p.Gly726Arg (NM_170724.3); short protein forms G726R.
Identifiers: ClinVar variation 4992336 (VCV004992336.1).
Genomic context (GRCh38, chr6:52,050,260, plus strand): 5'-AGGAGGTGACACTGTAGACCGGAGGGGATCCCACCACAGAGACTGATTCCACCAGATTGC[C>G]CCCTGGGCGAGCCGTTCCAGAATCAGCTTGAGAAACTAGAGACCAGTGATCCAATTACTA-3'
Protein context (NP_619639.3, residues 716-736): QADSGTARPG[Gly726Arg]NLVESVSVVG

ClinVar aggregate classification (germline): Uncertain significance (1 of 4 stars; one submission).

Conditions:
PKHD1-related disorder. Also called: PKHD1-related condition.

gnomAD v4.1: 3 of 1,614,004 alleles (0.00019%); highest among the groups gnomAD compares: African/African-American, 0.004%; no homozygotes.

Submission:

PreventionGenetics, part of Exact Sciences
Classification: Uncertain significance for PKHD1-related condition. Last evaluated: 2025-11-11. Review status: criteria provided, single submitter. Criteria: ACMG Guidelines, 2015. Collection method: clinical testing. Allele origin: germline.
Comment: The PKHD1 c.2176G>C variant is predicted to result in the amino acid substitution p.Gly726Arg. To our knowledge, this variant has not been reported in the literature. This variant is reported in 0.0062% of alleles in individuals of African descent in gnomAD. At this time, the clinical significance of this variant is uncertain due to the absence of conclusive functional and genetic evidence.